The following is an entry in ClinVar:

ClinVar aggregate classification (germline): Uncertain significance (1 of 4 stars; one submission).

Submission:

GeneDx
Classification: Uncertain significance. Last evaluated: 2020-09-17. Review status: criteria provided, single submitter. Criteria: GeneDx Variant Classification Process June 2021. Collection method: clinical testing. Allele origin: germline. Affected: yes.
Comment: Not observed in large population cohorts (Lek et al., 2016); In silico analysis supports that this missense variant has a deleterious effect on protein structure/function; Has not been previously published as pathogenic or benign to our knowledge

NM_030665.4(RAI1):c.1628A>C (p.Asn543Thr)

Gene: RAI1 (retinoic acid induced 1; plus strand). Cytogenetic location: 17p11.2.
Variant type: single nucleotide variant.
Coding change: c.1628A>C on transcript NM_030665.4 (MANE Select); coding-DNA position 1628, A replaced by C.
Protein change: p.Asn543Thr; replaces asparagine 543 with threonine.
Molecular consequence: missense variant.
Genome position (GRCh38, 1-based): chr17:17,794,576, A>C. VCF-style: chr17-17794576-A-C. GRCh37 (hg19) VCF-style: chr17-17697890-A-C.
Other names: short protein forms N543T.
Identifiers: ClinVar variation 1312870 (VCV001312870.2), dbSNP rs1222809674, ClinGen allele CA398548845.